The following is an entry in ClinVar:

NM_006514.4(SCN10A):c.1499G>A (p.Ser500Asn)

Gene: SCN10A (sodium voltage-gated channel alpha subunit 10; minus strand). Cytogenetic location: 3p22.2.
Variant type: single nucleotide variant.
Coding change: c.1499G>A on transcript NM_006514.4 (MANE Select); coding-DNA position 1499, G replaced by A.
Protein change: p.Ser500Asn; replaces serine 500 with asparagine.
Molecular consequence: missense variant. On other transcripts: intron variant (1).
Genome position (GRCh38, 1-based): chr3:38,752,475, C>T on the plus strand (G>A on the coding strand, the complement: SCN10A is on the minus strand). VCF-style: chr3-38752475-C-T. GRCh37 (hg19) VCF-style: chr3-38793966-C-T.
Other names: c.1499G>A, p.Ser500Asn (NM_001293306.2); c.1462-2291G>A (NM_001293307.2); short protein forms S500N.
Identifiers: ClinVar variation 3781064 (VCV003781064.2).

ClinVar aggregate classification (germline): Uncertain significance (1 of 4 stars; one submission).

gnomAD v4.1: 1 of 1,607,400 alleles (0.000062%); highest among the groups gnomAD compares: Non-Finnish European, 0.000085%; no homozygotes.

Submission:

GeneDx
Classification: Uncertain significance. Last evaluated: 2026-08-25. Review status: criteria provided, single submitter. Criteria: GeneDx Variant Classification Process June 2021. Collection method: clinical testing. Allele origin: germline.
Comment: Not observed at significant frequency in large population cohorts (gnomAD); In silico analysis supports that this missense variant has a deleterious effect on protein structure/function; Has not been previously published as pathogenic or benign to our knowledge